The following is an entry in ClinVar:

ClinVar aggregate classification (germline): Pathogenic (1 of 4 stars; one submission).

Conditions:
Neurodegeneration with brain iron accumulation 6 (NBIA6). Also called: COASY protein-associated neurodegeneration. Identifiers: Orphanet 397725, MedGen C4517377, MONDO:0014290, OMIM 615643.

Submission:

Labcorp Genetics (formerly Invitae), Labcorp
Classification: Pathogenic for Neurodegeneration with brain iron accumulation 6. Last evaluated: 2024-01-04. Review status: criteria provided, single submitter. Criteria: Invitae Variant Classification Sherloc (09022015). Collection method: clinical testing. Allele origin: germline.
Comment: This sequence change creates a premature translational stop signal (p.Ile469Cysfs*3) in the COASY gene. It is expected to result in an absent or disrupted protein product. Loss-of-function variants in COASY are known to be pathogenic (PMID: 24360804, 30089828). This variant is present in population databases (no rsID available, gnomAD 0.002%). This variant has not been reported in the literature in individuals affected with COASY-related conditions. For these reasons, this variant has been classified as Pathogenic.

Literature cited by the submitters: PubMed 24360804; PubMed 30089828.

NM_025233.7(COASY):c.1401_1404dup (p.Ile469fs)

Gene: COASY (Coenzyme A synthase; plus strand). Cytogenetic location: 17q21.2.
Variant type: Microsatellite.
Coding change: c.1401_1404dup on transcript NM_025233.7 (MANE Select); coding-DNA positions 1401 to 1404, 4 bases duplicated (TGTG; older notation c.1401_1404dupTGTG).
Protein change: p.Ile469fs; shifts the reading frame from isoleucine 469.
Molecular consequence: frameshift variant.
Genome position (GRCh38, 1-based): chr17:42,565,484-42,565,487, TGTG duplicated; duplicating any 4 consecutive bases within chr17:42,565,477-42,565,487 gives the same sequence; the c. name uses the placement nearest the transcript's 3' end. VCF-style (leftmost placement, unchanged base first): chr17-42565476-C-CGTGT. GRCh37 (hg19) VCF-style: chr17-40717494-C-CGTGT.
Other names: c.1401_1404dup, p.Ile469fs (NM_001042529.3); c.1488_1491dup, p.Ile498fs (NM_001042532.4); short protein forms I498fs, I469fs.
Identifiers: ClinVar variation 2918682 (VCV002918682.3), dbSNP rs560987504, ClinGen allele CA626218982.